The following is an entry in ClinVar:

NM_007186.6(CEP250):c.5401C>T (p.Leu1801Phe)

Gene: CEP250 (centrosomal protein 250; plus strand). Cytogenetic location: 20q11.22.
Variant type: single nucleotide variant.
Coding change: c.5401C>T on transcript NM_007186.6 (MANE Select); coding-DNA position 5401, C replaced by T.
Protein change: p.Leu1801Phe; replaces leucine 1801 with phenylalanine.
Molecular consequence: missense variant.
Genome position (GRCh38, 1-based): chr20:35,503,770, C>T. VCF-style: chr20-35503770-C-T. GRCh37 (hg19) VCF-style: chr20-34091598-C-T.
Other names: c.3505C>T, p.Leu1169Phe (NM_001318219.1); short protein forms L1169F, L1801F.
Identifiers: ClinVar variation 1375182 (VCV001375182.8), dbSNP rs2147163818, ClinGen allele CA408752872.
Genomic context (GRCh38, chr20:35,503,770, plus strand): 5'-GTGGTCCTGCAGCAGCAACTGCAGGAAGCCAGGGAACAAGGGGAGCTGAAGGAGCAGTCA[C>T]TTCAGAGTCAACTGGATGAGGCCCAGAGAGCCCTAGCCCAGAGGGACCAGGAACTGGAGG-3'
Protein context (NP_009117.2, residues 1791-1811): REQGELKEQS[Leu1801Phe]QSQLDEAQRA

ClinVar aggregate classification (germline): Uncertain significance (1 of 4 stars; one submission).

Allele frequency attached by ClinVar (database versions not stated): gnomAD exomes below 0.00001.
gnomAD v4.1: 1 of 1,613,960 alleles (0.000062%); highest among the groups gnomAD compares: Non-Finnish European, 0.000085%; no homozygotes.

Submission:

Labcorp Genetics (formerly Invitae), Labcorp
Classification: Uncertain significance. Last evaluated: 2024-02-17. Review status: criteria provided, single submitter. Criteria: Invitae Variant Classification Sherloc (09022015). Collection method: clinical testing. Allele origin: germline.
Comment: This sequence change replaces leucine, which is neutral and non-polar, with phenylalanine, which is neutral and non-polar, at codon 1801 of the CEP250 protein (p.Leu1801Phe). This variant is not present in population databases (gnomAD no frequency). This variant has not been reported in the literature in individuals affected with CEP250-related conditions. ClinVar contains an entry for this variant (Variation ID: 1375182). Algorithms developed to predict the effect of missense changes on protein structure and function output the following: SIFT: "Not Available"; PolyPhen-2: "Benign"; Align-GVGD: "Not Available". The phenylalanine amino acid residue is found in multiple mammalian species, which suggests that this missense change does not adversely affect protein function. In summary, the available evidence is currently insufficient to determine the role of this variant in disease. Therefore, it has been classified as a Variant of Uncertain Significance.